The following is an entry in ClinVar:

ClinVar aggregate classification (germline): Pathogenic. Review status: criteria provided, multiple submitters, no conflicts (2 of 4 stars). 2 submissions from 2 submitters: Pathogenic (2). Last evaluated 2022-03-01.

Conditions:
Hereditary breast ovarian cancer syndrome. Also called: Hereditary breast and ovarian cancer syndrome; Hereditary breast and ovarian cancer; Hereditary breast and ovarian cancer syndrome (HBOC); BRCA1- and BRCA2-Associated Hereditary Breast and Ovarian Cancer; Hereditary breast and/or ovarian cancer syndrome; Breast and ovarian cancer. Identifiers: Orphanet 145, MedGen C0677776, MeSH D061325, MONDO:0003582. Disease mechanism: loss of function.

Submissions (2):

Labcorp Genetics (formerly Invitae), Labcorp
Classification: Pathogenic for Hereditary breast ovarian cancer syndrome. Last evaluated: 2022-03-01. Review status: criteria provided, single submitter. Criteria: Invitae Variant Classification Sherloc (09022015). Collection method: clinical testing. Allele origin: germline.
Comment: For these reasons, this variant has been classified as Pathogenic. ClinVar contains an entry for this variant (Variation ID: 1330774). This variant has not been reported in the literature in individuals affected with BRCA1-related conditions. This variant is not present in population databases (gnomAD no frequency). This sequence change creates a premature translational stop signal (p.Asn609*) in the BRCA1 gene. It is expected to result in an absent or disrupted protein product. Loss-of-function variants in BRCA1 are known to be pathogenic (PMID: 20104584).

ARUP Laboratories, Molecular Genetics and Genomics, ARUP Laboratories
Classification: Pathogenic. Last evaluated: 2021-09-25. Review status: criteria provided, single submitter. Criteria: ARUP Molecular Germline Variant Investigation Process 2021. Collection method: clinical testing. Allele origin: germline.
Comment: The BRCA1 c.1824_1825delGA; p.Asn609Ter variant, to our knowledge, is not reported in the medical literature or gene specific databases. This variant is also absent from general population databases (Exome Variant Server, Genome Aggregation Database), indicating it is not a common polymorphism. This variant deletes 2 nucleotides leading to an immediate termination codon and is predicted to result in a truncated protein or mRNA subject to nonsense-mediated decay. Additionally, other variants in this region that introduce a premature termination codon are described in affected individuals and are classified as pathogenic (Bergman 2005, Deng 2019, Li 2018, Yang 2015, Zeng 2020). Based on available information, this variant is considered to be pathogenic. References: Bergman A et al. A high frequency of germline BRCA1/2 mutations in western Sweden detected with complementary screening techniques. Fam Cancer. 2005;4(2):89-96. Deng M et al. Prevalence and clinical outcomes of germline mutations in BRCA1/2 and PALB2 genes in 2769 unselected breast cancer patients in China. Int J Cancer. 2019 Sep 15;145(6):1517-1528. Li A et al. BRCA germline mutations in an unselected nationwide cohort of Chinese patients with ovarian cancer and healthy controls. Gynecol Oncol. 2018 Oct;151(1):145-152. Yang X et al. Identification of a comprehensive spectrum of genetic factors for hereditary breast cancer in a Chinese population by next-generation sequencing. PLoS One. 2015 Apr 30;10(4):e0125571. Zeng C et al. Evaluation of pathogenetic mutations in breast cancer predisposition genes in population-based studies conducted among Chinese women. Breast Cancer Res Treat. 2020 Jun;181(2):465-473.

Literature cited by the submitters: PubMed 20104584 (cited by Labcorp Genetics (formerly Invitae), Labcorp).

NM_007294.4(BRCA1):c.1824_1825del (p.Lys608_Asn609insTer)

Gene: BRCA1 (BRCA1 DNA repair associated; minus strand). Cytogenetic location: 17q21.31.
Variant type: Deletion.
Coding change: c.1824_1825del on transcript NM_007294.4 (MANE Select); coding-DNA positions 1824 to 1825, 2 bases deleted (GA; older notation c.1824_1825delGA).
Protein change: p.Lys608_Asn609insTer.
Molecular consequence: frameshift variant. On other transcripts: intron variant (137).
Genome position (GRCh38, 1-based): chr17:43,093,706-43,093,707, TC deleted on the plus strand (GA on the coding strand, the reverse complement: BRCA1 is on the minus strand); deleting any 2 consecutive bases within chr17:43,093,706-43,093,708 gives the same sequence; the c. name uses the placement nearest the transcript's 3' end. VCF-style (leftmost placement, unchanged base first): chr17-43093705-TTC-T. GRCh37 (hg19) VCF-style: chr17-41245722-TTC-T.
Other names: c.1440_1441del, p.Lys480_Asn481insTer (NM_001407962.1); c.1443_1444del, p.Lys481_Asn482insTer (NM_001407963.1, NM_001407959.1, NM_001407960.1); c.1680_1681del, p.Lys560_Asn561insTer (NM_001407964.1, NM_001407740.1, NM_001407741.1 and 20 more transcripts); c.1320_1321del, p.Lys440_Asn441insTer (NM_001407965.1); c.936_937del, p.Lys312_Asn313insTer (NM_001407966.1, NM_001407967.1); c.1683_1684del, p.Lys561_Asn562insTer (NM_007297.4, NM_001407692.1, NM_001407694.1 and 29 more transcripts); c.1824_1825del, p.Lys608_Asn609insTer (NM_007300.4, NM_001407581.1, NM_001407582.1 and 30 more transcripts); c.523+1037_523+1038del (NM_001408498.1, NM_001408501.1, NM_001408500.1 and 3 more transcripts); and 40 more.
Identifiers: ClinVar variation 1330774 (VCV001330774.12), dbSNP rs2154419366, ClinGen allele CA2573054444.